The following is an entry in ClinVar:

NM_001184.4(ATR):c.11A>T (p.His4Leu)

Gene: ATR (ATR checkpoint kinase; minus strand). Cytogenetic location: 3q23.
Variant type: single nucleotide variant.
Coding change: c.11A>T on transcript NM_001184.4 (MANE Select); coding-DNA position 11, A replaced by T.
Protein change: p.His4Leu; replaces histidine 4 with leucine.
Molecular consequence: missense variant.
Genome position (GRCh38, 1-based): chr3:142,578,694, T>A on the plus strand (A>T on the coding strand, the complement: ATR is on the minus strand). VCF-style: chr3-142578694-T-A. GRCh37 (hg19) VCF-style: chr3-142297536-T-A.
Other names: c.11A>T, p.His4Leu (NM_001354579.2); short protein forms H4L.
Identifiers: ClinVar variation 2769487 (VCV002769487.3), dbSNP rs561216130, ClinGen allele CA354795897.
Genomic context (GRCh38, chr3:142,578,694, plus strand): 5'-GCCTAGCCCTACCTGCCCAGCTCCCGCAGGGCGGGGATCATGGAAGCCAGCTCCAGGCCA[T>A]GTTCCCCCATGCTGAGGCTGCGAGGCACTAGTCAACCACGCCAACGCGGGTTCCCGGCGT-3'
Protein context (NP_001175.2, residues 1-14): MGE[His4Leu]GLELASMIPA

ClinVar aggregate classification (germline): Uncertain significance (1 of 4 stars; one submission).

gnomAD v4.1: 1 of 1,613,306 alleles (0.000062%); highest among the groups gnomAD compares: Non-Finnish European, 0.000085%; no homozygotes.

Submission:

Labcorp Genetics (formerly Invitae), Labcorp
Classification: Uncertain significance. Last evaluated: 2023-11-21. Review status: criteria provided, single submitter. Criteria: Invitae Variant Classification Sherloc (09022015). Collection method: clinical testing. Allele origin: germline.
Comment: This sequence change replaces histidine, which is basic and polar, with leucine, which is neutral and non-polar, at codon 4 of the ATR protein (p.His4Leu). This variant is not present in population databases (gnomAD no frequency). This variant has not been reported in the literature in individuals affected with ATR-related conditions. An algorithm developed to predict the effect of missense changes on protein structure and function (PolyPhen-2) suggests that this variant is likely to be tolerated. In summary, the available evidence is currently insufficient to determine the role of this variant in disease. Therefore, it has been classified as a Variant of Uncertain Significance.